The following is an entry in ClinVar:

ClinVar aggregate classification (germline): Uncertain significance (1 of 4 stars; one submission).

Allele frequency attached by ClinVar (database versions not stated): TOPMed below 0.00001.

Submission:

Labcorp Genetics (formerly Invitae), Labcorp
Classification: Uncertain significance. Last evaluated: 2023-02-26. Review status: criteria provided, single submitter. Criteria: Invitae Variant Classification Sherloc (09022015). Collection method: clinical testing. Allele origin: germline.
Comment: Advanced modeling of protein sequence and biophysical properties (such as structural, functional, and spatial information, amino acid conservation, physicochemical variation, residue mobility, and thermodynamic stability) performed at Invitae indicates that this missense variant is expected to disrupt DFNA5 protein function. In summary, the available evidence is currently insufficient to determine the role of this variant in disease. Therefore, it has been classified as a Variant of Uncertain Significance. This variant has not been reported in the literature in individuals affected with DFNA5-related conditions. This sequence change replaces glycine, which is neutral and non-polar, with alanine, which is neutral and non-polar, at codon 230 of the DFNA5 protein (p.Gly230Ala). This variant is not present in population databases (gnomAD no frequency).

NM_001127453.2(GSDME):c.689G>C (p.Gly230Ala)

Gene: GSDME (gasdermin E; minus strand). Cytogenetic location: 7p15.3.
Variant type: single nucleotide variant.
Coding change: c.689G>C on transcript NM_001127453.2 (MANE Select); coding-DNA position 689, G replaced by C.
Protein change: p.Gly230Ala; replaces glycine 230 with alanine.
Molecular consequence: missense variant.
Genome position (GRCh38, 1-based): chr7:24,717,262, C>G on the plus strand (G>C on the coding strand, the complement: GSDME is on the minus strand). VCF-style: chr7-24717262-C-G. GRCh37 (hg19) VCF-style: chr7-24756881-C-G.
Other names: c.197G>C, p.Gly66Ala (NM_001127454.2); c.689G>C, p.Gly230Ala (NM_004403.3); short protein forms G66A, G230A.
Identifiers: ClinVar variation 2838836 (VCV002838836.3), dbSNP rs967612061, ClinGen allele CA155348870.